The following is an entry in ClinVar:

ClinVar aggregate classification (germline): Uncertain significance (1 of 4 stars; one submission).

Submission:

GeneDx
Classification: Uncertain significance. Last evaluated: 2024-09-10. Review status: criteria provided, single submitter. Criteria: GeneDx Variant Classification Process June 2021. Collection method: clinical testing. Allele origin: germline. Affected: yes.
Comment: Has not been previously published as pathogenic or benign to our knowledge; Not observed at significant frequency in large population cohorts (gnomAD); In silico analysis indicates that this missense variant does not alter protein structure/function

NM_004370.6(COL12A1):c.2347A>G (p.Ile783Val)

Gene: COL12A1 (collagen type XII alpha 1 chain; minus strand). Cytogenetic location: 6q13.
Variant type: single nucleotide variant.
Coding change: c.2347A>G on transcript NM_004370.6 (MANE Select); coding-DNA position 2347, A replaced by G.
Protein change: p.Ile783Val; replaces isoleucine 783 with valine.
Molecular consequence: missense variant. On other transcripts: intron variant (1).
Genome position (GRCh38, 1-based): chr6:75,177,753, T>C on the plus strand (A>G on the coding strand, the complement: COL12A1 is on the minus strand). VCF-style: chr6-75177753-T-C. GRCh37 (hg19) VCF-style: chr6-75887469-T-C.
Other names: c.73+24967A>G (NM_080645.3); short protein forms I783V.
Identifiers: ClinVar variation 2501602 (VCV002501602.2), dbSNP rs2533533335, ClinGen allele CA364763908.